The following is an entry in ClinVar:

NM_000834.5(GRIN2B):c.3784G>A (p.Glu1262Lys)

Gene: GRIN2B (glutamate ionotropic receptor NMDA type subunit 2B; minus strand). Cytogenetic location: 12p13.1.
Variant type: single nucleotide variant.
Coding change: c.3784G>A on transcript NM_000834.5 (MANE Select); coding-DNA position 3784, G replaced by A.
Protein change: p.Glu1262Lys; replaces glutamic acid 1262 with lysine.
Molecular consequence: missense variant.
Genome position (GRCh38, 1-based): chr12:13,563,454, C>T on the plus strand (G>A on the coding strand, the complement: GRIN2B is on the minus strand). VCF-style: chr12-13563454-C-T. GRCh37 (hg19) VCF-style: chr12-13716388-C-T.
Other names: c.3784G>A, p.Glu1262Lys (NM_001413992.1); short protein forms E1262K.
Identifiers: ClinVar variation 3602314 (VCV003602314.1).

ClinVar aggregate classification (germline): Uncertain significance (1 of 4 stars; one submission).

gnomAD v4.1: 1 of 1,614,180 alleles (0.000062%); highest among the groups gnomAD compares: Non-Finnish European, 0.000085%; no homozygotes.

Submission:

GeneDx
Classification: Uncertain significance. Last evaluated: 2024-07-29. Review status: criteria provided, single submitter. Criteria: GeneDx Variant Classification Process June 2021. Collection method: clinical testing. Allele origin: germline. Affected: yes.
Comment: Not observed at significant frequency in large population cohorts (gnomAD); In silico analysis supports that this missense variant has a deleterious effect on protein structure/function; Has not been previously published as pathogenic or benign to our knowledge.